The following is an entry in ClinVar:

NM_017763.6(RNF43):c.910C>T (p.His304Tyr)

Gene: RNF43 (ring finger protein 43; minus strand). Cytogenetic location: 17q22.
Variant type: single nucleotide variant.
Coding change: c.910C>T on transcript NM_017763.6 (MANE Select); coding-DNA position 910, C replaced by T.
Protein change: p.His304Tyr; replaces histidine 304 with tyrosine.
Molecular consequence: missense variant.
Genome position (GRCh38, 1-based): chr17:58,360,191, G>A on the plus strand (C>T on the coding strand, the complement: RNF43 is on the minus strand). VCF-style: chr17-58360191-G-A. GRCh37 (hg19) VCF-style: chr17-56437552-G-A.
Other names: c.910C>T (NM_017763.4); c.910C>T, p.His304Tyr (NM_001305544.3); c.529C>T, p.His177Tyr (NM_001305545.2); short protein forms H177Y, H304Y.
Identifiers: ClinVar variation 1012015 (VCV001012015.9), dbSNP rs1972802602, ClinGen allele CA400333382.

ClinVar aggregate classification (germline): Uncertain significance. Review status: criteria provided, multiple submitters, no conflicts (2 of 4 stars). 2 submissions from 2 submitters: Uncertain significance (2). Last evaluated 2026-04-08.

Submissions (2):

Ambry Genetics
Classification: Uncertain significance. Last evaluated: 2026-04-08. Review status: criteria provided, single submitter. Criteria: Ambry Variant Classification Scheme 2023. Collection method: clinical testing. Allele origin: germline.
Comment: The p.H304Y variant (also known as c.910C>T), located in coding exon 7 of the RNF43 gene, results from a C to T substitution at nucleotide position 910. The histidine at codon 304 is replaced by tyrosine, an amino acid with similar properties. This amino acid position is conserved. In addition, this alteration is predicted to be tolerated by in silico analysis. Based on the available evidence, the clinical significance of this variant remains unclear.

Labcorp Genetics (formerly Invitae), Labcorp
Classification: Uncertain significance. Last evaluated: 2020-03-30. Review status: criteria provided, single submitter. Criteria: Invitae Variant Classification Sherloc (09022015). Collection method: clinical testing. Allele origin: germline.
Comment: In summary, the available evidence is currently insufficient to determine the role of this variant in disease. Therefore, it has been classified as a Variant of Uncertain Significance. Algorithms developed to predict the effect of missense changes on protein structure and function output the following: SIFT: "Tolerated"; PolyPhen-2: "Benign"; Align-GVGD: "Class C0". The tyrosine amino acid residue is found in multiple mammalian species, suggesting that this missense change does not adversely affect protein function. These predictions have not been confirmed by published functional studies and their clinical significance is uncertain. This variant has not been reported in the literature in individuals with RNF43-related conditions. This variant is not present in population databases (ExAC no frequency). This sequence change replaces histidine with tyrosine at codon 304 of the RNF43 protein (p.His304Tyr). The histidine residue is moderately conserved and there is a moderate physicochemical difference between histidine and tyrosine.